The following is an entry in ClinVar:

ClinVar aggregate classification (germline): Uncertain significance (1 of 4 stars; one submission).

Allele frequency attached by ClinVar (database versions not stated): TOPMed 0.00002; gnomAD 0.00003 and 0.00004.
gnomAD v4.1: 12 of 1,613,784 alleles (0.00074%); highest among the groups gnomAD compares: African/African-American, 0.004%; no homozygotes.

Submission:

Labcorp Genetics (formerly Invitae), Labcorp
Classification: Uncertain significance. Last evaluated: 2020-07-30. Review status: criteria provided, single submitter. Criteria: Invitae Variant Classification Sherloc (09022015). Collection method: clinical testing. Allele origin: germline.
Comment: This sequence change replaces glycine with aspartic acid at codon 399 of the KIZ protein (p.Gly399Asp). The glycine residue is moderately conserved and there is a moderate physicochemical difference between glycine and aspartic acid. This variant is present in population databases (rs767137895, ExAC 0.01%). This variant has not been reported in the literature in individuals with KIZ-related conditions. Experimental studies and prediction algorithms are not available or were not evaluated, and the functional significance of this variant is currently unknown. In summary, the available evidence is currently insufficient to determine the role of this variant in disease. Therefore, it has been classified as a Variant of Uncertain Significance.

NM_018474.6(KIZ):c.1196G>A (p.Gly399Asp)

Gene: KIZ (kizuna centrosomal protein; plus strand). Cytogenetic location: 20p11.23.
Variant type: single nucleotide variant.
Coding change: c.1196G>A on transcript NM_018474.6 (MANE Select); coding-DNA position 1196, G replaced by A.
Protein change: p.Gly399Asp; replaces glycine 399 with aspartic acid.
Molecular consequence: missense variant.
Genome position (GRCh38, 1-based): chr20:21,163,003, G>A. VCF-style: chr20-21163003-G-A. GRCh37 (hg19) VCF-style: chr20-21143644-G-A.
Other names: c.887G>A, p.Gly296Asp (NM_001163022.3, NM_001352435.2); c.797G>A, p.Gly266Asp (NM_001163023.3); c.1049G>A, p.Gly350Asp (NM_001276389.2); c.1196G>A, p.Gly399Asp (NM_001352434.2); c.854G>A, p.Gly285Asp (NM_001352436.2); short protein forms G266D, G285D, G296D, G350D, G399D.
Identifiers: ClinVar variation 1005103 (VCV001005103.5), dbSNP rs767137895, ClinGen allele CA9784792.
Genomic context (GRCh38, chr20:21,163,003, plus strand): 5'-CCATTTCAATAAGTGAAGATGATCTGATTTTAGAGAGCCCAGAACCACAGCCAAATCCAG[G>A]TGGCAAGATGGAGGGAGAAGATGGAATAGAGGCCTTAAAATTAATCCATGCTGAGCAAGA-3'
Protein context (NP_060944.3, residues 389-409): LESPEPQPNP[Gly399Asp]GKMEGEDGIE